The following is an entry in ClinVar:

ClinVar aggregate classification (germline): Uncertain significance (1 of 4 stars; one submission).

Conditions:
Combined immunodeficiency with skin granulomas. Identifiers: Orphanet 157949, MedGen C2673536, MONDO:0009306, OMIM 233650.
Severe combined immunodeficiency, autosomal recessive, T cell-negative, B cell-negative, NK cell-positive. Also called: Severe combined immunodeficiency due to complete RAG1/2 deficiency; SCID, AR, T-cell negative, B-cell negative, NK cell-positive; SCID, T CELL-NEGATIVE, B CELL-NEGATIVE, NK CELL-POSITIVE. Identifiers: Orphanet 331206, MedGen C1832322, MONDO:0011086, OMIM 601457.

Allele frequency attached by ClinVar (database versions not stated): gnomAD exomes 0.00001; TOPMed 0.00003; gnomAD 0.00004; ESP Exome Variant Server 0.00008; 1000 Genomes Project 30x 0.00016; 1000 Genomes Project 0.00020.
gnomAD v4.1: 58 of 1,614,092 alleles (0.0036%); highest among the groups gnomAD compares: African/African-American, 0.0053%; no homozygotes.

Submission:

Labcorp Genetics (formerly Invitae), Labcorp
Classification: Uncertain significance for Combined immunodeficiency with skin granulomas; Severe combined immunodeficiency, autosomal recessive, T cell-negative, B cell-negative, NK cell-positive. Last evaluated: 2022-08-13. Review status: criteria provided, single submitter. Criteria: Invitae Variant Classification Sherloc (09022015). Collection method: clinical testing. Allele origin: germline.
Comment: This sequence change replaces arginine, which is basic and polar, with tryptophan, which is neutral and slightly polar, at codon 219 of the RAG1 protein (p.Arg219Trp). This variant is present in population databases (rs368199324, gnomAD 0.008%). This variant has not been reported in the literature in individuals affected with RAG1-related conditions. ClinVar contains an entry for this variant (Variation ID: 1055138). Advanced modeling of protein sequence and biophysical properties (such as structural, functional, and spatial information, amino acid conservation, physicochemical variation, residue mobility, and thermodynamic stability) performed at Invitae indicates that this missense variant is not expected to disrupt RAG1 protein function. In summary, the available evidence is currently insufficient to determine the role of this variant in disease. Therefore, it has been classified as a Variant of Uncertain Significance.

NM_000448.3(RAG1):c.655C>T (p.Arg219Trp)

Gene: RAG1 (recombination activating 1; plus strand). Cytogenetic location: 11p12.
Variant type: single nucleotide variant.
Coding change: c.655C>T on transcript NM_000448.3 (MANE Select); coding-DNA position 655, C replaced by T.
Protein change: p.Arg219Trp; replaces arginine 219 with tryptophan.
Molecular consequence: missense variant.
Genome position (GRCh38, 1-based): chr11:36,573,959, C>T. VCF-style: chr11-36573959-C-T. GRCh37 (hg19) VCF-style: chr11-36595509-C-T.
Other names: c.655C>T, p.Arg219Trp (NM_001377277.1, NM_001377278.1, NM_001377279.1 and 1 more transcripts); short protein forms R219W.
Identifiers: ClinVar variation 1055138 (VCV001055138.7), dbSNP rs368199324, ClinGen allele CA220600394.
Genomic context (GRCh38, chr11:36,573,959, plus strand): 5'-AACGTGACCATGGAGTGGCACCCCCACACACCATCCTGTGACATCTGCAACACTGCCCGT[C>T]GGGGACTCAAGAGGAAGAGTCTTCAGCCAAACTTGCAGCTCAGCAAAAAACTCAAAACTG-3'
Protein context (NP_000439.2, residues 209-229): PSCDICNTAR[Arg219Trp]GLKRKSLQPN